The following is an entry in ClinVar:

ClinVar aggregate classification (germline): Pathogenic. Review status: criteria provided, multiple submitters, no conflicts (2 of 4 stars). 3 submissions from 3 submitters: Pathogenic (2). 1 of the submissions does not count toward it. Last evaluated 2025-03-19.

Conditions:
Sclerosteosis 1 (SOST1). Also called: CORTICAL HYPEROSTOSIS WITH SYNDACTYLY. Identifiers: Orphanet 3152, MedGen C4551483, MONDO:0010016, OMIM 269500.

Allele frequency attached by ClinVar (database versions not stated): TOPMed below 0.00001; gnomAD 0.00001; gnomAD exomes 0.00001.
gnomAD v4.1: 24 of 1,614,002 alleles (0.0015%); highest among the groups gnomAD compares: Non-Finnish European, 0.0014%; no homozygotes.

Submissions (3):

First Genomix Gene Laboratory, Genetic Diagnostics Department
Classification: Pathogenic for Sclerosteosis 1. Last evaluated: 2025-03-19. Review status: criteria provided, single submitter. Criteria: ACMG Guidelines, 2015. Collection method: clinical testing. Allele origin: germline. Inheritance: Autosomal recessive inheritance. Affected: no. Observed: 1 variant allele.

Labcorp Genetics (formerly Invitae), Labcorp
Classification: Pathogenic. Last evaluated: 2023-03-25. Review status: criteria provided, single submitter. Criteria: Invitae Variant Classification Sherloc (09022015). Collection method: clinical testing. Allele origin: germline.
Comment: This sequence change creates a premature translational stop signal (p.Gln24*) in the SOST gene. It is expected to result in an absent or disrupted protein product. Loss-of-function variants in SOST are known to be pathogenic (PMID: 11179006, 20301406). This variant is not present in population databases (gnomAD no frequency). This premature translational stop signal has been observed in individual(s) with sclerosteosis (PMID: 11179006). ClinVar contains an entry for this variant (Variation ID: 4783). For these reasons, this variant has been classified as Pathogenic.

OMIM
Classification: Pathogenic for SCLEROSTEOSIS 1. Last evaluated: 2001-03-01. Review status: no assertion criteria provided. Collection method: literature only. Allele origin: germline. Not counted in ClinVar's aggregate classification.

Literature cited by the submitters: PubMed 11179006 (cited by Labcorp Genetics (formerly Invitae), Labcorp and OMIM); PubMed 20301406 (cited by Labcorp Genetics (formerly Invitae), Labcorp).

NM_025237.3(SOST):c.70C>T (p.Gln24Ter)

Gene: SOST (sclerostin; minus strand). Cytogenetic location: 17q21.31.
Variant type: single nucleotide variant.
Coding change: c.70C>T on transcript NM_025237.3 (MANE Select); coding-DNA position 70, C replaced by T.
Protein change: p.Gln24Ter; replaces glutamine 24 with a stop codon.
Molecular consequence: nonsense.
Genome position (GRCh38, 1-based): chr17:43,758,672, G>A on the plus strand (C>T on the coding strand, the complement: SOST is on the minus strand). VCF-style: chr17-43758672-G-A. GRCh37 (hg19) VCF-style: chr17-41836040-G-A.
Other names: short protein forms Q24*.
Identifiers: ClinVar variation 4783 (VCV000004783.3), dbSNP rs387906320, ClinGen allele CA253289.